The following is an entry in ClinVar:

NM_001048174.2(MUTYH):c.644T>G (p.Leu215Arg)

Gene: MUTYH (mutY DNA glycosylase; minus strand). Cytogenetic location: 1p34.1.
Variant type: single nucleotide variant.
Coding change: c.644T>G on transcript NM_001048174.2 (MANE Select); coding-DNA position 644, T replaced by G.
Protein change: p.Leu215Arg; replaces leucine 215 with arginine.
Molecular consequence: missense variant. On other transcripts: non-coding transcript variant (2).
Genome position (GRCh38, 1-based): chr1:45,332,451, A>C on the plus strand (T>G on the coding strand, the complement: MUTYH is on the minus strand). VCF-style: chr1-45332451-A-C. GRCh37 (hg19) VCF-style: chr1-45798123-A-C.
Other names: c.644T>G, p.Leu215Arg (NM_001048171.2, NM_001048173.2, NM_001293195.2); c.647T>G, p.Leu216Arg (NM_001048172.2); c.728T>G, p.Leu243Arg (NM_001128425.2); c.689T>G, p.Leu230Arg (NM_001293190.2); c.677T>G, p.Leu226Arg (NM_001293191.2); c.368T>G, p.Leu123Arg (NM_001293192.2, NM_001293196.2); c.299T>G, p.Leu100Arg (NM_001350650.2, NM_001350651.2); c.719T>G, p.Leu240Arg (NM_012222.3); short protein forms L100R, L123R, L215R, L216R, L226R, L230R, L240R, L243R.
Identifiers: ClinVar variation 1006661 (VCV001006661.8), dbSNP rs1645090090, ClinGen allele CA340134856.

ClinVar aggregate classification (germline): Uncertain significance (1 of 4 stars; one submission).

Conditions:
Familial adenomatous polyposis 2. Also called: COLORECTAL ADENOMATOUS POLYPOSIS, AUTOSOMAL RECESSIVE; ADENOMAS, MULTIPLE COLORECTAL, AUTOSOMAL RECESSIVE; Adenomas, multiple colorectal; FAP type 2; MUTYH Polyposis; MUTYH-associated polyposis. Identifiers: Orphanet 220460, Orphanet 247798, MedGen C3272841, MONDO:0012041, OMIM 608456.

Submission:

Labcorp Genetics (formerly Invitae), Labcorp
Classification: Uncertain significance for Familial adenomatous polyposis 2. Last evaluated: 2025-05-05. Review status: criteria provided, single submitter. Criteria: Invitae Variant Classification Sherloc (09022015). Collection method: clinical testing. Allele origin: germline.
Comment: This sequence change replaces leucine, which is neutral and non-polar, with arginine, which is basic and polar, at codon 243 of the MUTYH protein (p.Leu243Arg). This variant is not present in population databases (gnomAD no frequency). This variant has not been reported in the literature in individuals affected with MUTYH-related conditions. ClinVar contains an entry for this variant (Variation ID: 1006661). An algorithm developed to predict the effect of missense changes on protein structure and function (PolyPhen-2) suggests that this variant is likely to be disruptive. In summary, the available evidence is currently insufficient to determine the role of this variant in disease. Therefore, it has been classified as a Variant of Uncertain Significance.